The following is an entry in ClinVar:

ClinVar aggregate classification (germline): Uncertain significance. Review status: criteria provided, multiple submitters, no conflicts (2 of 4 stars). 3 submissions from 3 submitters: Uncertain significance (3). Last evaluated 2025-06-18.

Conditions:
Inborn genetic diseases. Identifiers: MedGen C0950123, MeSH D030342.
Jalili syndrome. Also called: CONE-ROD DYSTROPHY AND AMELOGENESIS IMPERFECTA. Identifiers: Orphanet 1873, MedGen C3495589, MONDO:0009007, OMIM 217080.

gnomAD v4.1: 15 of 1,613,870 alleles (0.00093%); highest among the groups gnomAD compares: South Asian, 0.0022%; no homozygotes.

Submissions (3):

Ambry Genetics
Classification: Uncertain significance for Inborn genetic diseases. Last evaluated: 2025-06-18. Review status: criteria provided, single submitter. Criteria: Ambry Variant Classification Scheme 2023. Collection method: clinical testing. Allele origin: germline.

Labcorp Genetics (formerly Invitae), Labcorp
Classification: Uncertain significance. Last evaluated: 2022-07-15. Review status: criteria provided, single submitter. Criteria: Invitae Variant Classification Sherloc (09022015). Collection method: clinical testing. Allele origin: germline.
Comment: In summary, the available evidence is currently insufficient to determine the role of this variant in disease. Therefore, it has been classified as a Variant of Uncertain Significance. This sequence change replaces arginine, which is basic and polar, with cysteine, which is neutral and slightly polar, at codon 651 of the CNNM4 protein (p.Arg651Cys). This variant is present in population databases (no rsID available, gnomAD 0.003%). This variant has not been reported in the literature in individuals affected with CNNM4-related conditions. ClinVar contains an entry for this variant (Variation ID: 899227). Algorithms developed to predict the effect of missense changes on protein structure and function are either unavailable or do not agree on the potential impact of this missense change (SIFT: "Deleterious"; PolyPhen-2: "Possibly Damaging"; Align-GVGD: "Class C0").

Illumina Laboratory Services, Illumina
Classification: Uncertain significance for Jalili syndrome. Last evaluated: 2018-01-13. Review status: criteria provided, single submitter. Criteria: ICSL Variant Classification Criteria 13 December 2019. Collection method: clinical testing. Allele origin: germline.

NM_020184.4(CNNM4):c.1951C>T (p.Arg651Cys)

Gene: CNNM4 (cyclin and CBS domain divalent metal cation transport mediator 4; plus strand). Cytogenetic location: 2q11.2.
Variant type: single nucleotide variant.
Coding change: c.1951C>T on transcript NM_020184.4 (MANE Select); coding-DNA position 1951, C replaced by T.
Protein change: p.Arg651Cys; replaces arginine 651 with cysteine.
Molecular consequence: missense variant.
Genome position (GRCh38, 1-based): chr2:96,808,563, C>T. VCF-style: chr2-96808563-C-T. GRCh37 (hg19) VCF-style: chr2-97474300-C-T.
Other names: short protein forms R651C.
Identifiers: ClinVar variation 899227 (VCV000899227.15), dbSNP rs756301978, ClinGen allele CA347708460.